The following is an entry in ClinVar:

NM_198880.3(QRICH1):c.2139-17A>C

Gene: QRICH1 (glutamine rich 1; minus strand). Cytogenetic location: 3p21.31.
Variant type: single nucleotide variant.
Coding change: c.2139-17A>C on transcript NM_198880.3 (MANE Select); 17 bases into the intron before coding-DNA position 2139, A replaced by C.
Molecular consequence: intron variant.
Genome position (GRCh38, 1-based): chr3:49,030,661, T>G on the plus strand (A>C on the coding strand, the complement: QRICH1 is on the minus strand). VCF-style: chr3-49030661-T-G. GRCh37 (hg19) VCF-style: chr3-49068094-T-G.
Other names: c.2139-17A>C (NM_001320584.1, NM_001320585.1, NM_017730.4 and 4 more transcripts).
Identifiers: ClinVar variation 1804811 (VCV001804811.1), dbSNP rs1559920405, ClinGen allele CA2580069974.
Genomic context (GRCh38, chr3:49,030,661, plus strand): 5'-GTGTCAGGTAAAAGGTGTCATTCCGGCCTTTCACACTCTGGGGGCTGAAGAATATGCGGA[T>G]AAAAGTTGGGTACCACCAATATAACTTCAACCCTCCCACCCTGAACTTCCCAGACAGATG-3'

ClinVar aggregate classification (germline): Uncertain significance (1 of 4 stars; one submission).

Submission:

Women's Health and Genetics/Laboratory Corporation of America, LabCorp
Classification: Uncertain significance. Last evaluated: 2022-11-04. Review status: criteria provided, single submitter. Criteria: LabCorp Variant Classification Summary - May 2015. Collection method: clinical testing. Allele origin: germline.
Comment: Variant summary: QRICH1 c.2139-17A>C alters a conserved nucleotide located close to a canonical splice site and therefore could affect mRNA splicing, leading to a significantly altered protein sequence. 4/4 computational tools predict no significant impact on normal splicing. However, these predictions have yet to be confirmed by functional studies. The variant was absent in 190178 control chromosomes (gnomAD). The available data on variant occurrences in the general population are insufficient to allow any conclusion about variant significance. To our knowledge, no occurrence of c.2139-17A>C in individuals affected with Ververi-Brady Syndrome and no experimental evidence demonstrating its impact on protein function have been reported. No clinical diagnostic laboratories have submitted clinical-significance assessments for this variant to ClinVar after 2014. Based on the evidence outlined above, the variant was classified as uncertain significance.